The following is an entry in ClinVar:

NM_012199.5(AGO1):c.2003G>A (p.Gly668Glu)

Gene: AGO1 (argonaute RISC component 1; plus strand). Cytogenetic location: 1p34.3.
Variant type: single nucleotide variant.
Coding change: c.2003G>A on transcript NM_012199.5 (MANE Select); coding-DNA position 2003, G replaced by A.
Protein change: p.Gly668Glu; replaces glycine 668 with glutamic acid.
Molecular consequence: missense variant.
Genome position (GRCh38, 1-based): chr1:35,915,517, G>A. VCF-style: chr1-35915517-G-A. GRCh37 (hg19) VCF-style: chr1-36381118-G-A.
Other names: c.2003G>A, p.Gly668Glu (NM_001317122.2); c.1778G>A, p.Gly593Glu (NM_001317123.2); short protein forms G593E, G668E.
Identifiers: ClinVar variation 4885253 (VCV004885253.2).
Genomic context (GRCh38, chr1:35,915,517, plus strand): 5'-TCATCCAATTCTACAAGTCCACCCGTTTCAAGCCTACCCGCATCATCTTCTACCGAGATG[G>A]GGTGCCTGAAGGCCAGCTACCCCAGGTAGGGCCCACAGTAGGTGGAGAAAACCTTCACAT-3'
Protein context (NP_036331.1, residues 658-678): KPTRIIFYRD[Gly668Glu]VPEGQLPQIL

ClinVar aggregate classification (germline): Uncertain significance (1 of 4 stars; one submission).

Submission:

Dasa
Classification: Uncertain significance. Last evaluated: 2025-11-28. Review status: criteria provided, single submitter. Criteria: DASA Assertion Criteria. Collection method: clinical testing. Allele origin: germline.
Comment: NM_012199.5(AGO1):c.2003G>A (p.Gly668Glu) is a missense variant that results in the substitution of glycine with glutamic acid. This variant is absent from population databases. Computational prediction algorithms are consistent with a deleterious effect. The currently available literature and clinical evidence are not sufficient to establish a definitive association between this variant and the reported condition. Therefore, this variant is classified as a variant of uncertain significance.